The following is an entry in ClinVar:

NM_177972.3(TUB):c.975G>A (p.Gly325=)

Genes: RIC3 (RIC3 acetylcholine receptor chaperone; minus strand), TUB (TUB bipartite transcription factor; plus strand). Cytogenetic location: 11p15.4.
Variant type: single nucleotide variant.
Coding change: c.975G>A on transcript NM_177972.3 (MANE Select); coding-DNA position 975, G replaced by A.
Protein change: p.Gly325=; no amino-acid change (glycine 325 retained).
Molecular consequence: synonymous variant.
Genome position (GRCh38, 1-based): chr11:8,097,803, G>A. VCF-style: chr11-8097803-G-A. GRCh37 (hg19) VCF-style: chr11-8119350-G-A.
Other names: c.1140G>A (NM_003320.4); c.1140G>A, p.Gly380= (NM_003320.5).
Identifiers: ClinVar variation 1647976 (VCV001647976.10), dbSNP rs1380895862, ClinGen allele CA473009739.

ClinVar aggregate classification (germline): Likely benign. Review status: criteria provided, single submitter (1 of 4 stars). 2 submissions from 2 submitters: Likely benign (1). 1 of the submissions does not count toward it. Last evaluated 2025-03-04.

Conditions:
TUB-related disorder. Also called: TUB-related condition.

Allele frequency attached by ClinVar (database versions not stated): gnomAD 0.00001; TOPMed 0.00001.
gnomAD v4.1: 1 of 1,613,832 alleles (0.000062%); highest among the groups gnomAD compares: Admixed American, 0.0017%; no homozygotes.

Submissions (2):

Labcorp Genetics (formerly Invitae), Labcorp
Classification: Likely benign. Last evaluated: 2025-03-04. Review status: criteria provided, single submitter. Criteria: Invitae Variant Classification Sherloc (09022015). Collection method: clinical testing. Allele origin: germline.

PreventionGenetics, part of Exact Sciences
Classification: Likely benign for TUB-related condition. Last evaluated: 2023-10-12. Review status: no assertion criteria provided. Collection method: clinical testing. Allele origin: germline. Not counted in ClinVar's aggregate classification.
Comment: This variant is classified as likely benign based on ACMG/AMP sequence variant interpretation guidelines (Richards et al. 2015 PMID: 25741868, with internal and published modifications).